The following is an entry in ClinVar:

ClinVar aggregate classification (germline): Uncertain significance. Review status: criteria provided, multiple submitters, no conflicts (2 of 4 stars). 2 submissions from 2 submitters: Uncertain significance (2). Last evaluated 2026-03-27.

Conditions:
Cardiovascular phenotype. Identifiers: MedGen CN230736.
Familial thoracic aortic aneurysm and aortic dissection (TAAD). Also called: Thoracic aortic aneurysms and dissections. Identifiers: Orphanet 91387, MedGen C4707243, MONDO:0019625.

Submissions (2):

Molecular Diagnostic Laboratory for Inherited Cardiovascular Disease, Montreal Heart Institute
Classification: Uncertain significance for Cardiovascular phenotype. Last evaluated: 2026-03-27. Review status: criteria provided, single submitter. Criteria: ACMG Guidelines, 2015. Collection method: clinical testing. Allele origin: germline. Affected: yes.
Comment: PM1, PM2, PP2, PP3

Labcorp Genetics (formerly Invitae), Labcorp
Classification: Uncertain significance for Familial thoracic aortic aneurysm and aortic dissection. Last evaluated: 2021-04-27. Review status: criteria provided, single submitter. Criteria: Invitae Variant Classification Sherloc (09022015). Collection method: clinical testing. Allele origin: germline.
Comment: This variant is not present in population databases (ExAC no frequency). This sequence change replaces isoleucine with phenylalanine at codon 278 of the TGFBR2 protein (p.Ile278Phe). The isoleucine residue is highly conserved and there is a small physicochemical difference between isoleucine and phenylalanine. In summary, the available evidence is currently insufficient to determine the role of this variant in disease. Therefore, it has been classified as a Variant of Uncertain Significance. Algorithms developed to predict the effect of missense changes on protein structure and function do not agree on the potential impact of this missense change (SIFT: "Deleterious"; PolyPhen-2: "Probably Damaging"; Align-GVGD: "Class C15"). This variant has not been reported in the literature in individuals with TGFBR2-related disease.

NM_003242.6(TGFBR2):c.832A>T (p.Ile278Phe)

Gene: TGFBR2 (transforming growth factor beta receptor 2; plus strand). Cytogenetic location: 3p24.1.
Variant type: single nucleotide variant.
Coding change: c.832A>T on transcript NM_003242.6 (MANE Select); coding-DNA position 832, A replaced by T.
Protein change: p.Ile278Phe; replaces isoleucine 278 with phenylalanine.
Molecular consequence: missense variant.
Genome position (GRCh38, 1-based): chr3:30,672,015, A>T. VCF-style: chr3-30672015-A-T. GRCh37 (hg19) VCF-style: chr3-30713507-A-T.
Other names: c.907A>T, p.Ile303Phe (NM_001024847.3); c.1015A>T, p.Ile339Phe (NM_001407126.1); c.940A>T, p.Ile314Phe (NM_001407127.1); c.859A>T, p.Ile287Phe (NM_001407128.1); c.835A>T, p.Ile279Phe (NM_001407129.1); c.832A>T, p.Ile278Phe (NM_001407130.1); c.727A>T, p.Ile243Phe (NM_001407132.1, NM_001407133.1, NM_001407134.1 and 2 more transcripts); c.547A>T, p.Ile183Phe (NM_001407137.1); and 1 more; short protein forms I278F, I303F, I183F, I279F, I243F, I314F, I339F, I158F.
Identifiers: ClinVar variation 576348 (VCV000576348.7), dbSNP rs1559466871, ClinGen allele CA351807967.